The following is an entry in ClinVar:

ClinVar aggregate classification (germline): Pathogenic/Likely pathogenic. Review status: criteria provided, multiple submitters, no conflicts (2 of 4 stars). 2 submissions from 2 submitters: Pathogenic (1); Likely pathogenic (1). Last evaluated 2025-03-17.

Conditions:
Severe myoclonic epilepsy in infancy (DRVT). Also called: Dravet syndrome; Severe Myoclonic Epilepsy in Infancy (SMEI); SEVERE MYOCLONIC EPILEPSY OF INFANCY; Epileptic encephalopathy, early infantile, 6 (Dravet syndrome); DEVELOPMENTAL AND EPILEPTIC ENCEPHALOPATHY 6A. Identifiers: Orphanet 33069, MedGen C0751122, MONDO:0100135, OMIM 607208.
Generalized epilepsy with febrile seizures plus, type 2 (GEFSP2). Also called: GEFS+, TYPE 2. Identifiers: Orphanet 36387, MedGen C1858673, MONDO:0011461, OMIM 604403.
Developmental and epileptic encephalopathy 6B. Also called: Developmental and epileptic encephalopathy 6B, non-Dravet. Identifiers: MedGen C5543353, MONDO:0030268, OMIM 619317.
Migraine, familial hemiplegic, 3. Identifiers: Orphanet 569, MedGen C1864987, MONDO:0012320, OMIM 609634.
Early-infantile DEE. Also called: Early infantile epileptic encephalopathy; Ohtahara syndrome; Early infantile epileptic encephalopathy with suppression bursts. Identifiers: Orphanet 1934, MedGen C0393706, MONDO:0800491.

Submissions (2):

Labcorp Genetics (formerly Invitae), Labcorp
Classification: Likely pathogenic for Early-infantile DEE. Last evaluated: 2025-03-17. Review status: criteria provided, single submitter. Criteria: Invitae Variant Classification Sherloc (09022015). Collection method: clinical testing. Allele origin: germline.
Comment: This sequence change affects a splice site in intron 4 of the SCN1A gene. It is expected to disrupt RNA splicing. Variants that disrupt the donor or acceptor splice site typically lead to a loss of protein function (PMID: 16199547), and loss-of-function variants in SCN1A are known to be pathogenic (PMID: 17347258, 18930999). This variant is not present in population databases (gnomAD no frequency). This variant has not been reported in the literature in individuals affected with SCN1A-related conditions. ClinVar contains an entry for this variant (Variation ID: 1515913). Algorithms developed to predict the effect of sequence changes on RNA splicing suggest that this variant may disrupt the consensus splice site. In summary, the currently available evidence indicates that the variant is pathogenic, but additional data are needed to prove that conclusively. Therefore, this variant has been classified as Likely Pathogenic.

Fulgent Genetics
Classification: Pathogenic for Generalized epilepsy with febrile seizures plus, type 2; Severe myoclonic epilepsy in infancy; Migraine, familial hemiplegic, 3; Developmental and epileptic encephalopathy 6B. Last evaluated: 2024-05-31. Review status: criteria provided, single submitter. Criteria: ACMG Guidelines, 2015. Collection method: clinical testing. Allele origin: germline.

Literature cited by the submitters: PubMed 16199547 (cited by Labcorp Genetics (formerly Invitae), Labcorp); PubMed 17347258 (cited by Labcorp Genetics (formerly Invitae), Labcorp); PubMed 18930999 (cited by Labcorp Genetics (formerly Invitae), Labcorp).

NM_001165963.4(SCN1A):c.602+1del

Gene: SCN1A (sodium voltage-gated channel alpha subunit 1; minus strand). Cytogenetic location: 2q24.3.
Variant type: Deletion.
Coding change: c.602+1del on transcript NM_001165963.4 (MANE Select); the canonical splice donor site of the intron after coding-DNA position 602, one base deleted (G; older notation c.602+1delG).
Molecular consequence: splice donor variant.
Genome position (GRCh38, 1-based): chr2:166,054,637, C deleted on the plus strand (G on the coding strand, the reverse complement: SCN1A is on the minus strand). VCF-style (leftmost placement, unchanged base first): chr2-166054636-AC-A. GRCh37 (hg19) VCF-style: chr2-166911146-AC-A.
Other names: c.602+1del (NM_001353949.2, NM_001353958.2, NM_001353950.2 and 11 more transcripts); c.-1824+1del (NM_001353961.2).
Identifiers: ClinVar variation 1515913 (VCV001515913.8), dbSNP rs2105901693, ClinGen allele CA2573133518.
Genomic context (GRCh38, chr2:166,054,636, plus strand): 5'-GCATAAGCACTGATGGAAAACCAAACTATGTTCTCTCTTAAAGTTTCAAAAAAGGCACTT[AC>A]GCAAATGTAATGACAGTGAAATCGAGCCAGTTCCATGGATCCCGAAGGAAAGTAAAATCT-3'